The following is an entry in ClinVar:

NM_032217.5(ANKRD17):c.2717G>A (p.Cys906Tyr)

Gene: ANKRD17 (ankyrin repeat domain 17; minus strand). Cytogenetic location: 4q13.3.
Variant type: single nucleotide variant.
Coding change: c.2717G>A on transcript NM_032217.5 (MANE Select); coding-DNA position 2717, G replaced by A.
Protein change: p.Cys906Tyr; replaces cysteine 906 with tyrosine.
Molecular consequence: missense variant. On other transcripts: intron variant (1).
Genome position (GRCh38, 1-based): chr4:73,139,899, C>T on the plus strand (G>A on the coding strand, the complement: ANKRD17 is on the minus strand). VCF-style: chr4-73139899-C-T. GRCh37 (hg19) VCF-style: chr4-74005616-C-T.
Other names: c.2378G>A, p.Cys793Tyr (NM_001286771.3); c.2717G>A, p.Cys906Tyr (NM_015574.2); c.2332+1842G>A (NM_198889.3); short protein forms C906Y, C793Y.
Identifiers: ClinVar variation 4986934 (VCV004986934.1).
Genomic context (GRCh38, chr4:73,139,899, plus strand): 5'-TAGTCTCCCTCAGAAAGCTGCTCTCCAACTCCAACAGGAGTTAGTAATCCCAGGTGTTGG[C>T]AAGACTGTTGCTGCTGTTGCTGAAGTTGAATTCTTTGAGCTTTAACCTCTAGATACTGCT-3'
Protein context (NP_115593.3, residues 896-916): IQLQQQQQQS[Cys906Tyr]QHLGLLTPVG

ClinVar aggregate classification (germline): Uncertain significance (1 of 4 stars; one submission).

Conditions:
ANKRD17-related disorder. Also called: ANKRD17-related condition.

Submission:

PreventionGenetics, part of Exact Sciences
Classification: Uncertain significance for ANKRD17-related condition. Last evaluated: 2025-07-16. Review status: criteria provided, single submitter. Criteria: ACMG Guidelines, 2015. Collection method: clinical testing. Allele origin: germline.
Comment: The ANKRD17 c.2717G>A variant is predicted to result in the amino acid substitution p.Cys906Tyr. To our knowledge, this variant has not been reported in the literature or in a large population database (gnomAD), indicating this variant is rare. At this time, the clinical significance of this variant is uncertain due to the absence of conclusive functional and genetic evidence.